The following is an entry in ClinVar:

NM_000260.4(MYO7A):c.5856+2_5856+4del

Gene: MYO7A (myosin VIIA; plus strand). Cytogenetic location: 11q13.5.
Variant type: Deletion.
Coding change: c.5856+2_5856+4del on transcript NM_000260.4 (MANE Select); the canonical splice donor site of the intron after coding-DNA position 5856 through 4 bases into the intron after coding-DNA position 5856, 3 bases deleted (TGG; older notation c.5856+2_5856+4delTGG).
Molecular consequence: splice donor variant.
Genome position (GRCh38, 1-based): chr11:77,207,404-77,207,406, TGG deleted; deleting any 3 consecutive bases within chr11:77,207,402-77,207,406 gives the same sequence; the c. name uses the placement nearest the transcript's 3' end. VCF-style (leftmost placement, unchanged base first): chr11-77207401-AGGT-A. GRCh37 (hg19) VCF-style: chr11-76918446-AGGT-A.
Other names: c.5709+2_5709+4del (NM_001369365.1); c.5742+2_5742+4del (NM_001127180.2).
Identifiers: ClinVar variation 3601494 (VCV003601494.1).

ClinVar aggregate classification (germline): Pathogenic (1 of 4 stars; one submission).

Conditions:
Autosomal recessive nonsyndromic hearing loss 2. Also called: NEUROSENSORY NONSYNDROMIC RECESSIVE DEAFNESS 2; DEAFNESS, AUTOSOMAL RECESSIVE 2. Identifiers: Orphanet 90636, MedGen C1838701, MONDO:0010807, OMIM 600060.

Submission:

Institute of Rare Diseases, West China Hospital, Sichuan University
Classification: Pathogenic for Autosomal recessive nonsyndromic hearing loss 2. Last evaluated: 2025-01-09. Review status: criteria provided, single submitter. Criteria: ClinGen HL ACMG Specifications v1. Collection method: research. Allele origin: germline. Affected: yes.
Comment: PVS1;PP1;PM2_Supporting